The following is an entry in ClinVar:

ClinVar aggregate classification (germline): Uncertain significance. Review status: criteria provided, multiple submitters, no conflicts (2 of 4 stars). 2 submissions from 2 submitters: Uncertain significance (2). Last evaluated 2024-07-11.

Allele frequency attached by ClinVar (database versions not stated): gnomAD exomes below 0.00001; gnomAD 0.00001; TOPMed 0.00003; ESP Exome Variant Server 0.00008.
gnomAD v4.1: 4 of 1,614,078 alleles (0.00025%); highest among the groups gnomAD compares: African/African-American, 0.0053%; no homozygotes.

Submissions (2):

Labcorp Genetics (formerly Invitae), Labcorp
Classification: Uncertain significance. Last evaluated: 2024-07-11. Review status: criteria provided, single submitter. Criteria: Invitae Variant Classification Sherloc (09022015). Collection method: clinical testing. Allele origin: germline.
Comment: This sequence change replaces alanine, which is neutral and non-polar, with threonine, which is neutral and polar, at codon 1252 of the A2ML1 protein (p.Ala1252Thr). This variant is not present in population databases (gnomAD no frequency). This variant has not been reported in the literature in individuals affected with A2ML1-related conditions. ClinVar contains an entry for this variant (Variation ID: 2160431). An algorithm developed to predict the effect of missense changes on protein structure and function (PolyPhen-2) suggests that this variant is likely to be disruptive. In summary, the available evidence is currently insufficient to determine the role of this variant in disease. Therefore, it has been classified as a Variant of Uncertain Significance.

Ambry Genetics
Classification: Uncertain significance. Last evaluated: 2024-03-08. Review status: criteria provided, single submitter. Criteria: Ambry Variant Classification Scheme 2023. Collection method: clinical testing. Allele origin: germline.
Comment: The p.A1252T variant (also known as c.3754G>A), located in coding exon 30 of the A2ML1 gene, results from a G to A substitution at nucleotide position 3754. The alanine at codon 1252 is replaced by threonine, an amino acid with similar properties. This amino acid position is conserved. In addition, this alteration is predicted to be tolerated by in silico analysis. Based on the available evidence, the clinical significance of this alteration remains unclear.

NM_144670.6(A2ML1):c.3754G>A (p.Ala1252Thr)

Gene: A2ML1 (alpha-2-macroglobulin like 1; plus strand). Cytogenetic location: 12p13.31.
Variant type: single nucleotide variant.
Coding change: c.3754G>A on transcript NM_144670.6 (MANE Select); coding-DNA position 3754, G replaced by A.
Protein change: p.Ala1252Thr; replaces alanine 1252 with threonine.
Molecular consequence: missense variant.
Genome position (GRCh38, 1-based): chr12:8,867,878, G>A. VCF-style: chr12-8867878-G-A. GRCh37 (hg19) VCF-style: chr12-9020474-G-A.
Other names: c.3754G>A (NM_144670.3); c.2281G>A, p.Ala761Thr (NM_001282424.3); short protein forms A1252T, A761T.
Identifiers: ClinVar variation 2160431 (VCV002160431.5), dbSNP rs376436103, ClinGen allele CA232705036.